The following is an entry in ClinVar:

ClinVar aggregate classification (germline): Likely benign. Review status: criteria provided, multiple submitters, no conflicts (2 of 4 stars). 3 submissions from 3 submitters: Likely benign (2). 1 of the submissions does not count toward it. Last evaluated 2023-05-01.

Conditions:
Inborn genetic diseases. Identifiers: MedGen C0950123, MeSH D030342.
KDM3B-related disorder. Also called: KDM3B-related condition.

Allele frequency attached by ClinVar (database versions not stated): 1000 Genomes Project 30x 0.00031; 1000 Genomes Project 0.00040; gnomAD 0.00046; TOPMed 0.00047; ExAC 0.00050; ESP Exome Variant Server 0.00069.
gnomAD v4.1: 1,100 of 1,568,650 alleles (0.07%); highest among the groups gnomAD compares: Non-Finnish European, 0.087%; no homozygotes.

Submissions (3):

CeGaT Center for Human Genetics Tuebingen
Classification: Likely benign. Last evaluated: 2023-05-01. Review status: criteria provided, single submitter. Criteria: CeGaT Center For Human Genetics Tuebingen Variant Classification Criteria Version 2. Collection method: clinical testing. Allele origin: germline. Affected: yes. Observed: 2 variant alleles.
Comment: KDM3B: BP4

Ambry Genetics
Classification: Likely benign for Inborn genetic diseases. Last evaluated: 2022-05-02. Review status: criteria provided, single submitter. Criteria: Ambry Variant Classification Scheme 2023. Collection method: clinical testing. Allele origin: germline.

PreventionGenetics, part of Exact Sciences
Classification: Likely benign for KDM3B-related condition. Last evaluated: 2022-02-17. Review status: no assertion criteria provided. Collection method: clinical testing. Allele origin: germline. Not counted in ClinVar's aggregate classification.
Comment: This variant is classified as likely benign based on ACMG/AMP sequence variant interpretation guidelines (Richards et al. 2015 PMID: 25741868, with internal and published modifications).

NM_016604.4(KDM3B):c.2543A>G (p.Asn848Ser)

Gene: KDM3B (lysine demethylase 3B; plus strand). Cytogenetic location: 5q31.2.
Variant type: single nucleotide variant.
Coding change: c.2543A>G on transcript NM_016604.4 (MANE Select); coding-DNA position 2543, A replaced by G.
Protein change: p.Asn848Ser; replaces asparagine 848 with serine.
Molecular consequence: missense variant.
Genome position (GRCh38, 1-based): chr5:138,392,175, A>G. VCF-style: chr5-138392175-A-G. GRCh37 (hg19) VCF-style: chr5-137727864-A-G.
Other names: c.2543A>G (NM_016604.3); short protein forms N848S.
Identifiers: ClinVar variation 2655719 (VCV002655719.26), dbSNP rs148445583, ClinGen allele CA3429065.